The following is an entry in ClinVar:

NM_032043.3(BRIP1):c.2917T>A (p.Phe973Ile)

Gene: BRIP1 (BRCA1 interacting DNA helicase 1; minus strand). Cytogenetic location: 17q23.2.
Variant type: single nucleotide variant.
Coding change: c.2917T>A on transcript NM_032043.3 (MANE Select); coding-DNA position 2917, T replaced by A.
Protein change: p.Phe973Ile; replaces phenylalanine 973 with isoleucine.
Molecular consequence: missense variant.
Genome position (GRCh38, 1-based): chr17:61,684,129, A>T on the plus strand (T>A on the coding strand, the complement: BRIP1 is on the minus strand). VCF-style: chr17-61684129-A-T. GRCh37 (hg19) VCF-style: chr17-59761490-A-T.
Other names: short protein forms F973I.
Identifiers: ClinVar variation 407790 (VCV000407790.18), dbSNP rs1060501727, ClinGen allele CA16615771.

ClinVar aggregate classification (germline): Uncertain significance. Review status: criteria provided, multiple submitters, no conflicts (2 of 4 stars). 3 submissions from 3 submitters: Uncertain significance (3). Last evaluated 2023-12-05.

Conditions:
Familial cancer of breast. Also called: Hereditary breast cancer; hereditary breast carcinoma; BREAST CANCER, FAMILIAL. Identifiers: Orphanet 227535, MedGen C0346153, MONDO:0016419, OMIM 114480. Disease mechanism: loss of function.
Hereditary cancer-predisposing syndrome. Also called: Hereditary neoplastic syndrome; Neoplastic Syndromes, Hereditary; Tumor predisposition; Hereditary Cancer Syndrome. Identifiers: Orphanet 140162, MedGen C0027672, MeSH D009386, MONDO:0015356.
Fanconi anemia complementation group J. Also called: BRIP1-Related Fanconi Anemia. Identifiers: Orphanet 84, MedGen C1836860, MONDO:0012187, OMIM 609054.

Submissions (3):

Color Diagnostics, LLC DBA Color Health
Classification: Uncertain significance for Hereditary cancer-predisposing syndrome. Last evaluated: 2023-12-05. Review status: criteria provided, single submitter. Criteria: ACMG Guidelines, 2015. Collection method: clinical testing. Allele origin: germline.
Comment: This missense variant replaces phenylalanine with isoleucine at codon 973 of the BRIP1 protein. Computational prediction suggests that this variant may not impact protein structure and function (internally defined REVEL score threshold <= 0.5, PMID: 27666373). To our knowledge, functional studies have not been reported for this variant. This variant has not been reported in individuals affected with BRIP1-related disorders in the literature. This variant has not been identified in the general population by the Genome Aggregation Database (gnomAD). The available evidence is insufficient to determine the role of this variant in disease conclusively. Therefore, this variant is classified as a Variant of Uncertain Significance.

Labcorp Genetics (formerly Invitae), Labcorp
Classification: Uncertain significance for Familial cancer of breast; Fanconi anemia complementation group J. Last evaluated: 2023-08-03. Review status: criteria provided, single submitter. Criteria: Invitae Variant Classification Sherloc (09022015). Collection method: clinical testing. Allele origin: germline.
Comment: This variant is not present in population databases (gnomAD no frequency). This variant has not been reported in the literature in individuals affected with BRIP1-related conditions. ClinVar contains an entry for this variant (Variation ID: 407790). An algorithm developed to predict the effect of missense changes on protein structure and function (PolyPhen-2) suggests that this variant is likely to be tolerated. In summary, the available evidence is currently insufficient to determine the role of this variant in disease. Therefore, it has been classified as a Variant of Uncertain Significance. This sequence change replaces phenylalanine, which is neutral and non-polar, with isoleucine, which is neutral and non-polar, at codon 973 of the BRIP1 protein (p.Phe973Ile).

Mendelics
Classification: Uncertain significance for Familial cancer of breast. Last evaluated: 2019-05-28. Review status: criteria provided, single submitter. Criteria: Mendelics Assertion Criteria 2017. Collection method: clinical testing. Allele origin: unknown.